The following is an entry in ClinVar:

NM_004380.3(CREBBP):c.5362G>A (p.Ala1788Thr)

Gene: CREBBP (CREB binding lysine acetyltransferase; minus strand). Cytogenetic location: 16p13.3.
Variant type: single nucleotide variant.
Coding change: c.5362G>A on transcript NM_004380.3 (MANE Select); coding-DNA position 5362, G replaced by A.
Protein change: p.Ala1788Thr; replaces alanine 1788 with threonine.
Molecular consequence: missense variant.
Genome position (GRCh38, 1-based): chr16:3,729,685, C>T on the plus strand (G>A on the coding strand, the complement: CREBBP is on the minus strand). VCF-style: chr16-3729685-C-T. GRCh37 (hg19) VCF-style: chr16-3779686-C-T.
Other names: c.5248G>A, p.Ala1750Thr (NM_001079846.1); short protein forms A1788T, A1750T.
Identifiers: ClinVar variation 422461 (VCV000422461.3), dbSNP rs1064795794, ClinGen allele CA16620200.
Genomic context (GRCh38, chr16:3,729,685, plus strand): 5'-AGCCCTTGGTGTGCTGCACCACCCGCTTCATCTTCTGGCAGGATGGCAGCGAGCAGTTGG[C>T]GTTGCGGCACTGGCACGCGTGCACCAGCGACTGGATGCAGCGCTGGATGCTCAGCCGGCG-3'
Protein context (NP_004371.2, residues 1778-1798): SLVHACQCRN[Ala1788Thr]NCSLPSCQKM

ClinVar aggregate classification (germline): Conflicting classifications of pathogenicity. Review status: criteria provided, conflicting classifications (1 of 4 stars). 2 submissions from 2 submitters: Likely pathogenic (1); Uncertain significance (1). Last evaluated 2025-11-11.

Conditions:
Menke-Hennekam syndrome 1 (MKHK1). Identifiers: MedGen C5193034, MONDO:0020763, OMIM 618332.

Submissions (2):

3billion
Classification: Uncertain significance for Menke-Hennekam syndrome 1. Last evaluated: 2025-11-11. Review status: criteria provided, single submitter. Criteria: ACMG Guidelines, 2015. Collection method: clinical testing. Allele origin: germline. Affected: yes.
Comment: The variant is not observed in the gnomAD v4.1.0 dataset. Predicted Consequence/Location: Missense variant In silico tool predictions suggest damaging effect of the variant on gene or gene product [3Cnet: 0.99 (> 0.75, sensitivity 0.96 and precision 0.92)]. The same nucleotide change resulting in the same amino acid change has been previously reported to be associated with CREBBP-related disorder (ClinVar ID: VCV000422461). However, the evidence of pathogenicity is insufficient at this time. Therefore, this variant is classified as VUS according to the recommendation of ACMG/AMP guideline.

GeneDx
Classification: Likely pathogenic. Last evaluated: 2016-10-19. Review status: criteria provided, single submitter. Criteria: GeneDx Variant Classification (06012015). Collection method: clinical testing. Allele origin: germline. Affected: yes.
Comment: The A1788T variant in the CREBBP gene has not been reported previously as a pathogenic variant,nor as a benign variant, to our knowledge. The A1788T variant was not observed in approximately6500 individuals of European and African American ancestry in the NHLBI Exome SequencingProject, indicating it is not a common benign variant in these populations. The A1788T variant is anon-conservative amino acid substitution, which is likely to impact secondary protein structure asthese residues differ in polarity, charge, size and/or other properties. This substitution occurs at aposition that is conserved across species and in silico analysis predicts this variant is probablydamaging to the protein structure/function. The A1788T variant is a strong candidate for apathogenic variant